The following is an entry in ClinVar:

NM_014321.4(ORC6):c.65+2T>C

Gene: ORC6 (origin recognition complex subunit 6; plus strand). Cytogenetic location: 16q11.2.
Variant type: single nucleotide variant.
Coding change: c.65+2T>C on transcript NM_014321.4 (MANE Select); the canonical splice donor site of the intron after coding-DNA position 65, T replaced by C.
Molecular consequence: splice donor variant. On other transcripts: non-coding transcript variant (1).
Genome position (GRCh38, 1-based): chr16:46,689,772, T>C. VCF-style: chr16-46689772-T-C. GRCh37 (hg19) VCF-style: chr16-46723684-T-C.
Identifiers: ClinVar variation 4698500 (VCV004698500.1).

ClinVar aggregate classification (germline): Likely pathogenic (1 of 4 stars; one submission).

gnomAD v4.1: 4 of 1,592,604 alleles (0.00025%); highest among the groups gnomAD compares: East Asian, 0.009%; no homozygotes.

Submission:

Labcorp Genetics (formerly Invitae), Labcorp
Classification: Likely pathogenic. Last evaluated: 2025-11-24. Review status: criteria provided, single submitter. Criteria: Invitae Variant Classification Sherloc (09022015). Collection method: clinical testing. Allele origin: germline.
Comment: This sequence change affects a donor splice site in intron 1 of the ORC6 gene. It is expected to disrupt RNA splicing. Variants that disrupt the donor or acceptor splice site typically lead to a loss of protein function (PMID: 16199547), and loss-of-function variants in ORC6 are known to be pathogenic (PMID: 21358632, 25691413). This variant is not present in population databases (gnomAD no frequency). This variant has not been reported in the literature in individuals affected with ORC6-related conditions. Algorithms developed to predict the effect of sequence changes on RNA splicing suggest that this variant may disrupt the consensus splice site. In summary, the currently available evidence indicates that the variant is pathogenic, but additional data are needed to prove that conclusively. Therefore, this variant has been classified as Likely Pathogenic.

Literature cited by the submitters: PubMed 16199547; PubMed 21358632; PubMed 25691413.